The following is an entry in ClinVar:

ClinVar aggregate classification (germline): Uncertain significance. Review status: criteria provided, multiple submitters, no conflicts (2 of 4 stars). 4 submissions from 4 submitters: Uncertain significance (4). Last evaluated 2025-01-28.

Conditions:
Hereditary cancer-predisposing syndrome. Also called: Hereditary Cancer Syndrome; Neoplastic Syndromes, Hereditary; Tumor predisposition; Hereditary neoplastic syndrome. Identifiers: Orphanet 140162, MedGen C0027672, MeSH D009386, MONDO:0015356.
Familial cancer of breast. Also called: BREAST CANCER, FAMILIAL; Hereditary breast cancer; hereditary breast carcinoma. Identifiers: Orphanet 227535, MedGen C0346153, MONDO:0016419, OMIM 114480. Disease mechanism: loss of function.

gnomAD v4.1: 6 of 1,614,130 alleles (0.00037%); highest among the groups gnomAD compares: Non-Finnish European, 0.00051%; no homozygotes.

Submissions (4):

Labcorp Genetics (formerly Invitae), Labcorp
Classification: Uncertain significance for Familial cancer of breast. Last evaluated: 2025-01-28. Review status: criteria provided, single submitter. Criteria: Invitae Variant Classification Sherloc (09022015). Collection method: clinical testing. Allele origin: germline.
Comment: This sequence change replaces arginine, which is basic and polar, with serine, which is neutral and polar, at codon 541 of the PALB2 protein (p.Arg541Ser). This variant is not present in population databases (gnomAD no frequency). This variant has not been reported in the literature in individuals affected with PALB2-related conditions. ClinVar contains an entry for this variant (Variation ID: 480231). Invitae Evidence Modeling of protein sequence and biophysical properties (such as structural, functional, and spatial information, amino acid conservation, physicochemical variation, residue mobility, and thermodynamic stability) indicates that this missense variant is not expected to disrupt PALB2 protein function with a negative predictive value of 80%. In summary, the available evidence is currently insufficient to determine the role of this variant in disease. Therefore, it has been classified as a Variant of Uncertain Significance.

Color Diagnostics, LLC DBA Color Health
Classification: Uncertain significance for Hereditary cancer-predisposing syndrome. Last evaluated: 2024-03-06. Review status: criteria provided, single submitter. Criteria: ACMG Guidelines, 2015. Collection method: clinical testing. Allele origin: germline.
Comment: This missense variant replaces arginine with serine at codon 541 of the PALB2 protein. Computational prediction suggests that this variant may not impact protein structure and function (internally defined REVEL score threshold <= 0.5, PMID: 27666373). Splice site prediction tools suggest that this variant may not impact RNA splicing. To our knowledge, functional studies have not been reported for this variant. This variant has not been reported in individuals affected with hereditary cancer in the literature. This variant has not been identified in the general population by the Genome Aggregation Database (gnomAD). The available evidence is insufficient to determine the role of this variant in disease conclusively. Therefore, this variant is classified as a Variant of Uncertain Significance.

Ambry Genetics
Classification: Uncertain significance for Hereditary cancer-predisposing syndrome. Last evaluated: 2023-11-29. Review status: criteria provided, single submitter. Criteria: Ambry Variant Classification Scheme 2023. Collection method: clinical testing. Allele origin: germline.
Comment: The p.R541S variant (also known as c.1623G>C), located in coding exon 4 of the PALB2 gene, results from a G to C substitution at nucleotide position 1623. The arginine at codon 541 is replaced by serine, an amino acid with dissimilar properties. This amino acid position is not well conserved in available vertebrate species. In addition, this alteration is predicted to be tolerated by in silico analysis. Since supporting evidence is limited at this time, the clinical significance of this alteration remains unclear.

GeneDx
Classification: Uncertain significance. Last evaluated: 2022-07-08. Review status: criteria provided, single submitter. Criteria: GeneDx Variant Classification Process June 2021. Collection method: clinical testing. Allele origin: germline. Affected: yes.
Comment: Not observed at significant frequency in large population cohorts (gnomAD); In silico analysis supports that this missense variant does not alter protein structure/function; Has not been previously published as pathogenic or benign to our knowledge

NM_024675.4(PALB2):c.1623G>C (p.Arg541Ser)

Gene: PALB2 (partner and localizer of BRCA2; minus strand). Cytogenetic location: 16p12.2.
Variant type: single nucleotide variant.
Coding change: c.1623G>C on transcript NM_024675.4 (MANE Select); coding-DNA position 1623, G replaced by C.
Protein change: p.Arg541Ser; replaces arginine 541 with serine.
Molecular consequence: missense variant.
Genome position (GRCh38, 1-based): chr16:23,634,923, C>G on the plus strand (G>C on the coding strand, the complement: PALB2 is on the minus strand). VCF-style: chr16-23634923-C-G. GRCh37 (hg19) VCF-style: chr16-23646244-C-G.
Other names: short protein forms R541S.
Identifiers: ClinVar variation 480231 (VCV000480231.19), dbSNP rs745665968, ClinGen allele CA395130330.